The following is an entry in ClinVar:

ClinVar aggregate classification (germline): Uncertain significance (1 of 4 stars; one submission).

Conditions:
Spastic paraplegia. Identifiers: MedGen C0037772, HP:0001258.

Allele frequency attached by ClinVar (database versions not stated): ExAC below 0.00001; gnomAD exomes below 0.00001; gnomAD 0.00001; TOPMed 0.00002.

Submission:

Labcorp Genetics (formerly Invitae), Labcorp
Classification: Uncertain significance for Spastic paraplegia. Last evaluated: 2022-07-12. Review status: criteria provided, single submitter. Criteria: Invitae Variant Classification Sherloc (09022015). Collection method: clinical testing. Allele origin: germline.
Comment: This sequence change replaces proline, which is neutral and non-polar, with serine, which is neutral and polar, at codon 36 of the B4GALNT1 protein (p.Pro36Ser). This variant is not present in population databases (gnomAD no frequency). This variant has not been reported in the literature in individuals affected with B4GALNT1-related conditions. ClinVar contains an entry for this variant (Variation ID: 841010). Algorithms developed to predict the effect of missense changes on protein structure and function output the following: SIFT: "Tolerated"; PolyPhen-2: "Benign"; Align-GVGD: "Class C0". The serine amino acid residue is found in multiple mammalian species, which suggests that this missense change does not adversely affect protein function. In summary, the available evidence is currently insufficient to determine the role of this variant in disease. Therefore, it has been classified as a Variant of Uncertain Significance.

NM_001478.5(B4GALNT1):c.106C>T (p.Pro36Ser)

Gene: B4GALNT1 (beta-1,4-N-acetyl-galactosaminyltransferase 1; minus strand). Cytogenetic location: 12q13.3.
Variant type: single nucleotide variant.
Coding change: c.106C>T on transcript NM_001478.5 (MANE Select); coding-DNA position 106, C replaced by T.
Protein change: p.Pro36Ser; replaces proline 36 with serine.
Molecular consequence: missense variant.
Genome position (GRCh38, 1-based): chr12:57,632,027, G>A on the plus strand (C>T on the coding strand, the complement: B4GALNT1 is on the minus strand). VCF-style: chr12-57632027-G-A. GRCh37 (hg19) VCF-style: chr12-58025810-G-A.
Other names: c.106C>T, p.Pro36Ser (NM_001276468.2, NM_001276469.2); short protein forms P36S.
Identifiers: ClinVar variation 841010 (VCV000841010.9), dbSNP rs780178164, ClinGen allele CA6655871.